The following is an entry in ClinVar:

ClinVar aggregate classification (germline): Uncertain significance (1 of 4 stars; one submission).

Conditions:
Frasier syndrome. Identifiers: Orphanet 347, MedGen C0950122, MeSH D052159, MONDO:0007635, OMIM 136680.
Wilms tumor 1 (WT1). Also called: Wilms tumor, somatic. Identifiers: Orphanet 654, MedGen CN033288, MONDO:0008679, OMIM 194070.
11p partial monosomy syndrome (WAGR). Also called: CHROMOSOME 11p13 DELETION SYNDROME; WAGR Spectrum Disorder; WAGR syndrome; WAGR Complex. Identifiers: Orphanet 893, MedGen C0206115, MONDO:0008681, OMIM 194072.
Drash syndrome (DDS). Also called: WILMS TUMOR AND PSEUDO- OR TRUE HERMAPHRODITISM; NEPHROPATHY, WILMS TUMOR, AND GENITAL ANOMALIES. Identifiers: Orphanet 220, MedGen C0950121, MONDO:0008682, OMIM 194080.

gnomAD v4.1: 1 of 1,612,788 alleles (0.000062%); highest among the groups gnomAD compares: Non-Finnish European, 0.000085%; no homozygotes.

Submission:

Labcorp Genetics (formerly Invitae), Labcorp
Classification: Uncertain significance for Wilms tumor 1; Drash syndrome; 11p partial monosomy syndrome; Frasier syndrome. Last evaluated: 2021-12-23. Review status: criteria provided, single submitter. Criteria: Invitae Variant Classification Sherloc (09022015). Collection method: clinical testing. Allele origin: germline.
Comment: Algorithms developed to predict the effect of missense changes on protein structure and function are either unavailable or do not agree on the potential impact of this missense change (SIFT: "Deleterious"; PolyPhen-2: "Benign"; Align-GVGD: "Class C25"). This sequence change replaces asparagine, which is neutral and polar, with lysine, which is basic and polar, at codon 198 of the WT1 protein (p.Asn198Lys). This variant is not present in population databases (gnomAD no frequency). This variant has not been reported in the literature in individuals affected with WT1-related conditions. In summary, the available evidence is currently insufficient to determine the role of this variant in disease. Therefore, it has been classified as a Variant of Uncertain Significance.

NM_024426.6(WT1):c.609C>A (p.Asn203Lys)

Genes: WT1 (WT1 transcription factor; minus strand), LOC107982234 (WT1/WT1-AS bi-directional promoter region; plus strand). Cytogenetic location: 11p13.
Variant type: single nucleotide variant.
Coding change: c.609C>A on transcript NM_024426.6 (MANE Select); coding-DNA position 609, C replaced by A.
Protein change: p.Asn203Lys; replaces asparagine 203 with lysine.
Molecular consequence: missense variant. On other transcripts: non-coding transcript variant (1).
Genome position (GRCh38, 1-based): chr11:32,434,752, G>T on the plus strand (C>A on the coding strand, the complement: WT1 is on the minus strand). VCF-style: chr11-32434752-G-T. GRCh37 (hg19) VCF-style: chr11-32456298-G-T.
Other names: c.609C>A, p.Asn203Lys (NM_000378.6, NM_001407044.1, NM_001407045.1 and 6 more transcripts); c.594C>A, p.Asn198Lys (NM_024425.2); short protein forms N198K, N203K.
Identifiers: ClinVar variation 1972352 (VCV001972352.5), dbSNP rs2234583, ClinGen allele CA379964538.